The following is an entry in ClinVar:

NM_000093.5(COL5A1):c.4073A>C (p.Gln1358Pro)

Gene: COL5A1 (collagen type V alpha 1 chain; plus strand). Cytogenetic location: 9q34.3.
Variant type: single nucleotide variant.
Coding change: c.4073A>C on transcript NM_000093.5 (MANE Select); coding-DNA position 4073, A replaced by C.
Protein change: p.Gln1358Pro; replaces glutamine 1358 with proline.
Molecular consequence: missense variant.
Genome position (GRCh38, 1-based): chr9:134,815,939, A>C. VCF-style: chr9-134815939-A-C. GRCh37 (hg19) VCF-style: chr9-137707785-A-C.
Other names: c.4073A>C, p.Gln1358Pro (NM_001278074.1); short protein forms Q1358P.
Identifiers: ClinVar variation 2739578 (VCV002739578.3), dbSNP rs2490836593, ClinGen allele CA375456327.

ClinVar aggregate classification (germline): Uncertain significance (1 of 4 stars; one submission).

Conditions:
Ehlers-Danlos syndrome, classic type, 1 (EDSCL1). Also called: EHLERS-DANLOS SYNDROME, GRAVIS TYPE; EHLERS-DANLOS SYNDROME, SEVERE CLASSIC TYPE; Ehlers-Danlos syndrome, type 1; Ehlers-Danlos Syndrome, Classic Type, COL5A1-Related; EDS I. Identifiers: MedGen C0268335, MONDO:0019567, OMIM 130000.

Submission:

Labcorp Genetics (formerly Invitae), Labcorp
Classification: Uncertain significance for Ehlers-Danlos syndrome, classic type, 1. Last evaluated: 2022-12-16. Review status: criteria provided, single submitter. Criteria: Invitae Variant Classification Sherloc (09022015). Collection method: clinical testing. Allele origin: germline.
Comment: In summary, the available evidence is currently insufficient to determine the role of this variant in disease. Therefore, it has been classified as a Variant of Uncertain Significance. Advanced modeling of protein sequence and biophysical properties (such as structural, functional, and spatial information, amino acid conservation, physicochemical variation, residue mobility, and thermodynamic stability) performed at Invitae indicates that this missense variant is not expected to disrupt COL5A1 protein function. This variant has not been reported in the literature in individuals affected with COL5A1-related conditions. This variant is not present in population databases (gnomAD no frequency). This sequence change replaces glutamine, which is neutral and polar, with proline, which is neutral and non-polar, at codon 1358 of the COL5A1 protein (p.Gln1358Pro).